The following is an entry in ClinVar:

NM_001174147.2(LMX1B):c.777T>A (p.Ser259Arg)

Gene: LMX1B (LIM homeobox transcription factor 1 beta; plus strand). Cytogenetic location: 9q33.3.
Variant type: single nucleotide variant.
Coding change: c.777T>A on transcript NM_001174147.2 (MANE Select); coding-DNA position 777, T replaced by A.
Protein change: p.Ser259Arg; replaces serine 259 with arginine.
Molecular consequence: missense variant.
Genome position (GRCh38, 1-based): chr9:126,693,559, T>A. VCF-style: chr9-126693559-T-A. GRCh37 (hg19) VCF-style: chr9-129455838-T-A.
Other names: c.777T>A, p.Ser259Arg (NM_001174146.2, NM_002316.4); short protein forms S259R.
Identifiers: ClinVar variation 4990884 (VCV004990884.1).

ClinVar aggregate classification (germline): Uncertain significance (1 of 4 stars; one submission).

Conditions:
LMX1B-related disorder. Also called: LMX1B-related condition.

Submission:

PreventionGenetics, part of Exact Sciences
Classification: Uncertain significance for LMX1B-related condition. Last evaluated: 2026-05-05. Review status: criteria provided, single submitter. Criteria: ACMG Guidelines, 2015. Collection method: clinical testing. Allele origin: germline.
Comment: The LMX1B c.777T>A variant is predicted to result in the amino acid substitution p.Ser259Arg. To our knowledge, this variant has not been reported in the literature or in a large population database (gnomAD), indicating this variant is rare. Pathogenic LMX1B variants cluster across exons 2–6, particularly in the LIM domains and homeodomain, where this substitution is located (see for example, Marini et al. 2010. PubMed ID: 20531206). The REVEL (rare exome variant ensemble learner) program predicts this variant is pathogenic at a "moderate" level (Ioannidis et al. 2016. PubMed ID: 27666373; Bergquist et al. 2024. PubMed ID: 39345488). Although we suspect that this variant may be pathogenic, at this time, the clinical significance of this variant is uncertain due to the absence of conclusive functional and genetic evidence.